The following is an entry in ClinVar:

ClinVar aggregate classification (germline): Uncertain significance. Review status: criteria provided, multiple submitters, no conflicts (2 of 4 stars). 2 submissions from 2 submitters: Uncertain significance (2). Last evaluated 2025-09-08.

Conditions:
Inborn genetic diseases. Identifiers: MedGen C0950123, MeSH D030342.

Allele frequency attached by ClinVar (database versions not stated): gnomAD exomes 0.00001; gnomAD 0.00001; TOPMed 0.00003.
gnomAD v4.1: 4 of 1,541,850 alleles (0.00026%); highest among the groups gnomAD compares: Non-Finnish European, 0.00035%; no homozygotes.

Submissions (2):

Labcorp Genetics (formerly Invitae), Labcorp
Classification: Uncertain significance. Last evaluated: 2025-09-08. Review status: criteria provided, single submitter. Criteria: Invitae Variant Classification Sherloc (09022015). Collection method: clinical testing. Allele origin: germline.
Comment: This sequence change replaces histidine, which is basic and polar, with arginine, which is basic and polar, at codon 964 of the DCHS1 protein (p.His964Arg). This variant is not present in population databases (gnomAD no frequency). This variant has not been reported in the literature in individuals affected with DCHS1-related conditions. ClinVar contains an entry for this variant (Variation ID: 2883426). Invitae Evidence Modeling of protein sequence and biophysical properties (such as structural, functional, and spatial information, amino acid conservation, physicochemical variation, residue mobility, and thermodynamic stability) indicates that this missense variant is not expected to disrupt DCHS1 protein function with a negative predictive value of 80%. In summary, the available evidence is currently insufficient to determine the role of this variant in disease. Therefore, it has been classified as a Variant of Uncertain Significance.

Ambry Genetics
Classification: Uncertain significance for Inborn genetic diseases. Last evaluated: 2024-08-19. Review status: criteria provided, single submitter. Criteria: Ambry Variant Classification Scheme 2023. Collection method: clinical testing. Allele origin: germline.

NM_003737.4(DCHS1):c.2891A>G (p.His964Arg)

Gene: DCHS1 (dachsous cadherin-related 1; minus strand). Cytogenetic location: 11p15.4.
Variant type: single nucleotide variant.
Coding change: c.2891A>G on transcript NM_003737.4 (MANE Select); coding-DNA position 2891, A replaced by G.
Protein change: p.His964Arg; replaces histidine 964 with arginine.
Molecular consequence: missense variant.
Genome position (GRCh38, 1-based): chr11:6,632,621, T>C on the plus strand (A>G on the coding strand, the complement: DCHS1 is on the minus strand). VCF-style: chr11-6632621-T-C. GRCh37 (hg19) VCF-style: chr11-6653852-T-C.
Other names: c.2891A>G (NM_003737.2); short protein forms H964R.
Identifiers: ClinVar variation 2883426 (VCV002883426.4), dbSNP rs996498170, ClinGen allele CA217299364.
Genomic context (GRCh38, chr11:6,632,621, plus strand): 5'-AGTCGAAAGTGGCTGGTGCGTGGTGGGGAGCCCCCATCCCGGGCCTCCAGCTCCAGCTCA[T>C]GGGCTGGCCCTCCTGAGGGCCCCAGAGGCCTCATAAGCCGTACATGGCCTGTGGTGGGGT-3'
Protein context (NP_003728.1, residues 954-974): RPLGPSGGPA[His964Arg]ELELEARDGG